The following is an entry in ClinVar:

NM_014484.5(MOCS3):c.472A>T (p.Thr158Ser)

Gene: MOCS3 (molybdenum cofactor synthesis 3; plus strand). Cytogenetic location: 20q13.13.
Variant type: single nucleotide variant.
Coding change: c.472A>T on transcript NM_014484.5 (MANE Select); coding-DNA position 472, A replaced by T.
Protein change: p.Thr158Ser; replaces threonine 158 with serine.
Molecular consequence: missense variant.
Genome position (GRCh38, 1-based): chr20:50,959,314, A>T. VCF-style: chr20-50959314-A-T. GRCh37 (hg19) VCF-style: chr20-49575851-A-T.
Other names: short protein forms T158S.
Identifiers: ClinVar variation 2093879 (VCV002093879.4), dbSNP rs767877512, ClinGen allele CA408983092.
Genomic context (GRCh38, chr20:50,959,314, plus strand): 5'-GCCTTTTCGGCCGCCGCCTCGCTGCGCCGCCTCAATTCGGCAGTGGAATGCGTGCCGTAC[A>T]CTCAGGCCCTTACGCCAGCCACTGCCCTAGACCTGGTCCGCCGATATGATGTGGTGGCTG-3'
Protein context (NP_055299.1, residues 148-168): LNSAVECVPY[Thr158Ser]QALTPATALD

ClinVar aggregate classification (germline): Uncertain significance (1 of 4 stars; one submission).

Submission:

Labcorp Genetics (formerly Invitae), Labcorp
Classification: Uncertain significance. Last evaluated: 2022-02-06. Review status: criteria provided, single submitter. Criteria: Invitae Variant Classification Sherloc (09022015). Collection method: clinical testing. Allele origin: germline.
Comment: This variant is not present in population databases (gnomAD no frequency). In summary, the available evidence is currently insufficient to determine the role of this variant in disease. Therefore, it has been classified as a Variant of Uncertain Significance. Algorithms developed to predict the effect of missense changes on protein structure and function (SIFT, PolyPhen-2, Align-GVGD) all suggest that this variant is likely to be tolerated. This variant has not been reported in the literature in individuals affected with MOCS3-related conditions. This sequence change replaces threonine, which is neutral and polar, with serine, which is neutral and polar, at codon 158 of the MOCS3 protein (p.Thr158Ser).